The following is an entry in ClinVar:

ClinVar aggregate classification (germline): Uncertain significance (1 of 4 stars; one submission).

Conditions:
Usher syndrome type 3B. Also called: USHER SYNDROME, TYPE IIIB. Identifiers: MedGen C3281066, MONDO:0013788, OMIM 614504.

Submission:

Labcorp Genetics (formerly Invitae), Labcorp
Classification: Uncertain significance for Usher syndrome type 3B. Last evaluated: 2021-10-07. Review status: criteria provided, single submitter. Criteria: Invitae Variant Classification Sherloc (09022015). Collection method: clinical testing. Allele origin: germline.
Comment: This missense change has been observed in individual(s) with clinical features of Charcot-Marie-Tooth disease (Invitae). In summary, the available evidence is currently insufficient to determine the role of this variant in disease. Therefore, it has been classified as a Variant of Uncertain Significance. This variant disrupts the p.Pro134 amino acid residue in HARS. Other variant(s) that disrupt this residue have been observed in individuals with HARS-related conditions (PMID: 26072516), which suggests that this may be a clinically significant amino acid residue. Algorithms developed to predict the effect of sequence changes on RNA splicing suggest that this variant may create or strengthen a splice site. Algorithms developed to predict the effect of missense changes on protein structure and function are either unavailable or do not agree on the potential impact of this missense change (SIFT: "Deleterious"; PolyPhen-2: "Probably Damaging"; Align-GVGD: "Class C0"). This variant is not present in population databases (ExAC no frequency). This sequence change replaces proline with arginine at codon 134 of the HARS protein (p.Pro134Arg). The proline residue is highly conserved and there is a moderate physicochemical difference between proline and arginine.

Literature cited by the submitters: PubMed 26072516.

NM_002109.6(HARS1):c.401C>G (p.Pro134Arg)

Gene: HARS1 (histidyl-tRNA synthetase 1; minus strand). Cytogenetic location: 5q31.3.
Variant type: single nucleotide variant.
Coding change: c.401C>G on transcript NM_002109.6 (MANE Select); coding-DNA position 401, C replaced by G.
Protein change: p.Pro134Arg; replaces proline 134 with arginine.
Molecular consequence: missense variant. On other transcripts: intron variant (2).
Genome position (GRCh38, 1-based): chr5:140,679,123, G>C on the plus strand (C>G on the coding strand, the complement: HARS1 is on the minus strand). VCF-style: chr5-140679123-G-C. GRCh37 (hg19) VCF-style: chr5-140058708-G-C.
Other names: c.281C>G, p.Pro94Arg (NM_001258040.3, NM_001258042.3); c.401C>G, p.Pro134Arg (NM_001258041.3); c.314C>G, p.Pro105Arg (NM_001289094.2); c.181-1108C>G (NM_001289093.2); c.301-1108C>G (NM_001289092.2); short protein forms P105R, P134R, P94R.
Identifiers: ClinVar variation 1680347 (VCV001680347.6), dbSNP rs863225122, ClinGen allele CA361257455.
Genomic context (GRCh38, chr5:140,679,123, plus strand): 5'-TTTGCTATGTGGTAGCGTTTAATGTTGGTCAGTTTATTCATTGCCAAATACCGAGCAAAA[G>C]GAACCTGATGACAAAGAGTTAAGGAGAAAGCCCCTCCTATCACTGTCTGCAAGTTGATTA-3'
Protein context (NP_002100.2, residues 124-144): LLSLRYDLTV[Pro134Arg]FARYLAMNKL